The following is an entry in ClinVar:

ClinVar aggregate classification (germline): Uncertain significance (1 of 4 stars; one submission).

Conditions:
Ataxia-telangiectasia syndrome (AT). Also called: AT, COMPLEMENTATION GROUP C; Cerebello-oculocutaneous telangiectasia; Immunodeficiency with ataxia telangiectasia; Ataxia-telangiectasia, complementation group D; ATAXIA-TELANGIECTASIA, FRESNO VARIANT; Ataxia-telangiectasia, complementation group E. Identifiers: Orphanet 100, MedGen C0004135, MONDO:0008840, OMIM 208900.

Submission:

Labcorp Genetics (formerly Invitae), Labcorp
Classification: Uncertain significance for Ataxia-telangiectasia syndrome. Last evaluated: 2023-09-26. Review status: criteria provided, single submitter. Criteria: Invitae Variant Classification Sherloc (09022015). Collection method: clinical testing. Allele origin: germline.
Comment: This variant has not been reported in the literature in individuals affected with ATM-related conditions. In summary, the available evidence is currently insufficient to determine the role of this variant in disease. Therefore, it has been classified as a Variant of Uncertain Significance. An algorithm developed to predict the effect of missense changes on protein structure and function (PolyPhen-2) suggests that this variant is likely to be tolerated. ClinVar contains an entry for this variant (Variation ID: 570886). This variant is not present in population databases (gnomAD no frequency). This sequence change replaces isoleucine, which is neutral and non-polar, with valine, which is neutral and non-polar, at codon 190 of the ATM protein (p.Ile190Val).

NM_000051.4(ATM):c.568A>G (p.Ile190Val)

Gene: ATM (ATM serine/threonine kinase; plus strand). Cytogenetic location: 11q22.3.
Variant type: single nucleotide variant.
Coding change: c.568A>G on transcript NM_000051.4 (MANE Select); coding-DNA position 568, A replaced by G.
Protein change: p.Ile190Val; replaces isoleucine 190 with valine.
Molecular consequence: missense variant.
Genome position (GRCh38, 1-based): chr11:108,244,024, A>G. VCF-style: chr11-108244024-A-G. GRCh37 (hg19) VCF-style: chr11-108114751-A-G.
Other names: c.568A>G, p.Ile190Val (NM_001351834.2); short protein forms I190V.
Identifiers: ClinVar variation 570886 (VCV000570886.8), dbSNP rs1565369501, ClinGen allele CA382527828.
Genomic context (GRCh38, chr11:108,244,024, plus strand): 5'-GTGTACTTCAGGCTCTATCTGAAACCTTCACAAGATGTTCATAGAGTTTTAGTGGCTAGA[A>G]TAATTCATGCTGTTACCAAAGGATGCTGTTCTCAGACTGACGGATTAAATTCCAAATTTT-3'
Protein context (NP_000042.3, residues 180-200): QDVHRVLVAR[Ile190Val]IHAVTKGCCS